The following is an entry in ClinVar:

ClinVar aggregate classification (germline): Uncertain significance (1 of 4 stars; one submission).

Conditions:
Neuroblastoma, susceptibility to, 3. Also called: ALK-Related Neuroblastic Tumor Susceptibility. Identifiers: Orphanet 635, MedGen C2751681, MONDO:0013083, OMIM 613014.

Submission:

Labcorp Genetics (formerly Invitae), Labcorp
Classification: Uncertain significance for Neuroblastoma, susceptibility to, 3. Last evaluated: 2025-08-20. Review status: criteria provided, single submitter. Criteria: Invitae Variant Classification Sherloc (09022015). Collection method: clinical testing. Allele origin: germline.
Comment: This sequence change replaces glycine, which is neutral and non-polar, with arginine, which is basic and polar, at codon 1580 of the ALK protein (p.Gly1580Arg). This variant is not present in population databases (gnomAD no frequency). This variant has not been reported in the literature in individuals affected with ALK-related conditions. ClinVar contains an entry for this variant (Variation ID: 3658249). An algorithm developed to predict the effect of missense changes on protein structure and function (PolyPhen-2) suggests that this variant is likely to be disruptive. In summary, the available evidence is currently insufficient to determine the role of this variant in disease. Therefore, it has been classified as a Variant of Uncertain Significance.

NM_004304.5(ALK):c.4738G>C (p.Gly1580Arg)

Gene: ALK (ALK receptor tyrosine kinase; minus strand). Cytogenetic location: 2p23.2.
Variant type: single nucleotide variant.
Coding change: c.4738G>C on transcript NM_004304.5 (MANE Select); coding-DNA position 4738, G replaced by C.
Protein change: p.Gly1580Arg; replaces glycine 1580 with arginine.
Molecular consequence: missense variant.
Genome position (GRCh38, 1-based): chr2:29,193,349, C>G on the plus strand (G>C on the coding strand, the complement: ALK is on the minus strand). VCF-style: chr2-29193349-C-G. GRCh37 (hg19) VCF-style: chr2-29416215-C-G.
Other names: c.1534G>C, p.Gly512Arg (NM_001353765.2); short protein forms G1580R, G512R.
Identifiers: ClinVar variation 3658249 (VCV003658249.2).